The following is an entry in ClinVar:

ClinVar aggregate classification (germline): Uncertain significance (1 of 4 stars; one submission).

gnomAD v4.1: 1 of 1,613,964 alleles (0.000062%); highest among the groups gnomAD compares: South Asian, 0.0011%; no homozygotes.

Submission:

GeneDx
Classification: Uncertain significance. Last evaluated: 2025-02-11. Review status: criteria provided, single submitter. Criteria: GeneDx Variant Classification Process June 2021. Collection method: clinical testing. Allele origin: germline. Affected: yes.
Comment: Not observed at significant frequency in large population cohorts (gnomAD); In silico analysis supports that this missense variant has a deleterious effect on protein structure/function; Has not been previously published as pathogenic or benign to our knowledge

NM_006922.4(SCN3A):c.1640C>T (p.Thr547Ile)

Gene: SCN3A (sodium voltage-gated channel alpha subunit 3; minus strand). Cytogenetic location: 2q24.3.
Variant type: single nucleotide variant.
Coding change: c.1640C>T on transcript NM_006922.4 (MANE Select); coding-DNA position 1640, C replaced by T.
Protein change: p.Thr547Ile; replaces threonine 547 with isoleucine.
Molecular consequence: missense variant.
Genome position (GRCh38, 1-based): chr2:165,146,770, G>A on the plus strand (C>T on the coding strand, the complement: SCN3A is on the minus strand). VCF-style: chr2-165146770-G-A. GRCh37 (hg19) VCF-style: chr2-166003280-G-A.
Other names: c.1640C>T, p.Thr547Ile (NM_001081676.2, NM_001081677.2); short protein forms T547I.
Identifiers: ClinVar variation 4074336 (VCV004074336.1).